The following is an entry in ClinVar:

ClinVar aggregate classification (germline): Uncertain significance (1 of 4 stars; one submission).

Conditions:
Arrhythmogenic right ventricular dysplasia 8 (ARVD8). Also called: Arrhythmogenic Right Ventricular Dysplasia/Cardiomyopathy 8; ARRHYTHMOGENIC RIGHT VENTRICULAR DYSPLASIA, FAMILIAL, 8; ARRHYTHMOGENIC RIGHT VENTRICULAR CARDIOMYOPATHY 8. Identifiers: MedGen C1843896, MONDO:0011831, OMIM 607450.
Arrhythmogenic cardiomyopathy with wooly hair and keratoderma. Also called: Carvajal syndrome; Dilated cardiomyopathy with woolly hair and keratoderma; Arrhythmogenic cardiomyopathy with woolly hair and keratoderma; PALMOPLANTAR KERATODERMA WITH LEFT VENTRICULAR CARDIOMYOPATHY AND WOOLLY HAIR. Identifiers: Orphanet 65282, MedGen C1854063, MONDO:0011581, OMIM 605676.

Submission:

Labcorp Genetics (formerly Invitae), Labcorp
Classification: Uncertain significance for Arrhythmogenic cardiomyopathy with wooly hair and keratoderma; Arrhythmogenic right ventricular dysplasia 8. Last evaluated: 2018-04-25. Review status: criteria provided, single submitter. Criteria: Invitae Variant Classification Sherloc (09022015). Collection method: clinical testing. Allele origin: germline.
Comment: This sequence change replaces threonine with alanine at codon 1399 of the DSP protein (p.Thr1399Ala). The threonine residue is moderately conserved and there is a small physicochemical difference between threonine and alanine. This variant is not present in population databases (ExAC no frequency). This variant has not been reported in the literature in individuals with DSP-related disease. In summary, the available evidence is currently insufficient to determine the role of this variant in disease. Therefore, it has been classified as a Variant of Uncertain Significance. Algorithms developed to predict the effect of missense changes on protein structure and function (SIFT, PolyPhen-2, Align-GVGD) all suggest that this variant is likely to be tolerated, but these predictions have not been confirmed by published functional studies and their clinical significance is uncertain.

NM_004415.4(DSP):c.4195A>G (p.Thr1399Ala)

Gene: DSP (desmoplakin; plus strand). Cytogenetic location: 6p24.3.
Variant type: single nucleotide variant.
Coding change: c.4195A>G on transcript NM_004415.4 (MANE Select); coding-DNA position 4195, A replaced by G.
Protein change: p.Thr1399Ala; replaces threonine 1399 with alanine.
Molecular consequence: missense variant. On other transcripts: intron variant (2).
Genome position (GRCh38, 1-based): chr6:7,580,385, A>G. VCF-style: chr6-7580385-A-G. GRCh37 (hg19) VCF-style: chr6-7580618-A-G.
Other names: c.4050+145A>G (NM_001319034.2); c.3582+613A>G (NM_001008844.3); c.4195A>G (LRG_423t1); short protein forms T1399A.
Identifiers: ClinVar variation 571677 (VCV000571677.9), dbSNP rs1561698547, ClinGen allele CA362685764.